The following is an entry in ClinVar:

ClinVar aggregate classification (germline): Likely benign. Review status: criteria provided, multiple submitters, no conflicts (2 of 4 stars). 2 submissions from 2 submitters: Likely benign (2). Last evaluated 2018-06-14.

Allele frequency attached by ClinVar (database versions not stated): 1000 Genomes Project 0.01218; 1000 Genomes Project 30x 0.01249; TOPMed 0.01750; gnomAD 0.01827 and 0.01849; gnomAD exomes 0.02338.
gnomAD v4.1: 15,684 of 701,178 alleles (2.2%); highest among the groups gnomAD compares: Non-Finnish European, 2.7%; 246 homozygotes.

Submissions (2):

GeneDx
Classification: Likely benign. Last evaluated: 2018-06-14. Review status: criteria provided, single submitter. Criteria: GeneDx Variant Classification (06012015). Collection method: clinical testing. Allele origin: germline. Affected: yes.
Comment: This variant is considered likely benign or benign based on one or more of the following criteria: it is a conservative change, it occurs at a poorly conserved position in the protein, it is predicted to be benign by multiple in silico algorithms, and/or has population frequency not consistent with disease.

Breakthrough Genomics
Classification: Likely benign. Review status: criteria provided, single submitter. Criteria: ACMG Guidelines, 2015. Collection method: not provided. Allele origin: germline. Inheritance: Autosomal dominant inheritance. Affected: yes.

NM_001005242.3(PKP2):c.1378+152G>T

Gene: PKP2 (plakophilin 2; minus strand). Cytogenetic location: 12p11.21.
Variant type: single nucleotide variant.
Coding change: c.1378+152G>T on transcript NM_001005242.3 (MANE Select); 152 bases into the intron after coding-DNA position 1378, G replaced by T.
Molecular consequence: intron variant.
Genome position (GRCh38, 1-based): chr12:32,850,614, C>A on the plus strand (G>T on the coding strand, the complement: PKP2 is on the minus strand). VCF-style: chr12-32850614-C-A. GRCh37 (hg19) VCF-style: chr12-33003548-C-A.
Other names: c.1378+152G>T (NM_004572.4).
Identifiers: ClinVar variation 672208 (VCV000672208.2), dbSNP rs117378017, ClinGen allele CA235255065.